The following is an entry in ClinVar:

NM_020708.5(SLC12A5):c.1955C>T (p.Ala652Val)

Gene: SLC12A5 (solute carrier family 12 member 5; plus strand). Cytogenetic location: 20q13.12.
Variant type: single nucleotide variant.
Coding change: c.1955C>T on transcript NM_020708.5 (MANE Select); coding-DNA position 1955, C replaced by T.
Protein change: p.Ala652Val; replaces alanine 652 with valine.
Molecular consequence: missense variant.
Genome position (GRCh38, 1-based): chr20:46,048,028, C>T. VCF-style: chr20-46048028-C-T. GRCh37 (hg19) VCF-style: chr20-44676667-C-T.
Other names: c.2024C>T, p.Ala675Val (NM_001134771.2); short protein forms A652V, A675V.
Identifiers: ClinVar variation 542318 (VCV000542318.9), dbSNP rs1555865828, ClinGen allele CA409200387.

ClinVar aggregate classification (germline): Uncertain significance (1 of 4 stars; one submission).

Conditions:
Developmental and epileptic encephalopathy, 34 (DEE34). Also called: Early infantile epileptic encephalopathy 34; SLC12A5-Related Epilepsy of Infancy with Migrating Focal Seizures. Identifiers: Orphanet 293181, MedGen C4225257, MONDO:0014718, OMIM 616645.

Allele frequency attached by ClinVar (database versions not stated): gnomAD exomes 0.00001; gnomAD 0.00003.
gnomAD v4.1: 14 of 1,612,956 alleles (0.00087%); highest among the groups gnomAD compares: Non-Finnish European, 0.0011%; no homozygotes.

Submission:

Labcorp Genetics (formerly Invitae), Labcorp
Classification: Uncertain significance for Developmental and epileptic encephalopathy, 34. Last evaluated: 2020-04-24. Review status: criteria provided, single submitter. Criteria: Invitae Variant Classification Sherloc (09022015). Collection method: clinical testing. Allele origin: germline.
Comment: In summary, the available evidence is currently insufficient to determine the role of this variant in disease. Therefore, it has been classified as a Variant of Uncertain Significance. Algorithms developed to predict the effect of missense changes on protein structure and function do not agree on the potential impact of this missense change (SIFT: "Tolerated"; PolyPhen-2: "Possibly Damaging"; Align-GVGD: "Class C0"). This variant has not been reported in the literature in individuals with SLC12A5-related disease. This variant is not present in population databases (ExAC no frequency). This sequence change replaces alanine with valine at codon 652 of the SLC12A5 protein (p.Ala652Val). The alanine residue is highly conserved and there is a small physicochemical difference between alanine and valine.